The following is an entry in ClinVar:

NM_001849.4(COL6A2):c.856-14G>A

Gene: COL6A2 (collagen type VI alpha 2 chain; plus strand). Cytogenetic location: 21q22.3.
Variant type: single nucleotide variant.
Coding change: c.856-14G>A on transcript NM_001849.4 (MANE Select); 14 bases into the intron before coding-DNA position 856, G replaced by A.
Molecular consequence: intron variant.
Genome position (GRCh38, 1-based): chr21:46,115,995, G>A. VCF-style: chr21-46115995-G-A. GRCh37 (hg19) VCF-style: chr21-47535909-G-A.
Other names: c.856-14G>A (NM_058175.3, NM_058174.3).
Identifiers: ClinVar variation 511959 (VCV000511959.9), dbSNP rs759917394, ClinGen allele CA10071510.

ClinVar aggregate classification (germline): Likely benign. Review status: criteria provided, multiple submitters, no conflicts (2 of 4 stars). 2 submissions from 2 submitters: Likely benign (2). Last evaluated 2025-10-02.

Conditions:
Bethlem myopathy 1A. Also called: MYOPATHY, BENIGN CONGENITAL, WITH CONTRACTURES; Bethlem myopathy 1; Bethlem Muscular Dystrophy. Identifiers: Orphanet 610, MedGen CN029274, MONDO:0024530, OMIM 158810.

Allele frequency attached by ClinVar (database versions not stated): gnomAD 0.00006; TOPMed 0.00010; 1000 Genomes Project 30x 0.00016.
gnomAD v4.1: 67 of 1,611,664 alleles (0.0042%); highest among the groups gnomAD compares: African/African-American, 0.021%; no homozygotes.

Submissions (2):

Labcorp Genetics (formerly Invitae), Labcorp
Classification: Likely benign for Bethlem myopathy 1A. Last evaluated: 2025-10-02. Review status: criteria provided, single submitter. Criteria: Invitae Variant Classification Sherloc (09022015). Collection method: clinical testing. Allele origin: germline.

GeneDx
Classification: Likely benign. Last evaluated: 2017-09-07. Review status: criteria provided, single submitter. Criteria: GeneDx Variant Classification (06012015). Collection method: clinical testing. Allele origin: germline. Affected: yes.
Comment: This variant is considered likely benign or benign based on one or more of the following criteria: it is a conservative change, it occurs at a poorly conserved position in the protein, it is predicted to be benign by multiple in silico algorithms, and/or has population frequency not consistent with disease.